The following is an entry in ClinVar:

NM_014908.4(DOLK):c.250G>T (p.Ala84Ser)

Gene: DOLK (dolichol kinase; minus strand). Cytogenetic location: 9q34.11.
Variant type: single nucleotide variant.
Coding change: c.250G>T on transcript NM_014908.4 (MANE Select); coding-DNA position 250, G replaced by T.
Protein change: p.Ala84Ser; replaces alanine 84 with serine.
Molecular consequence: missense variant.
Genome position (GRCh38, 1-based): chr9:128,947,054, C>A on the plus strand (G>T on the coding strand, the complement: DOLK is on the minus strand). VCF-style: chr9-128947054-C-A. GRCh37 (hg19) VCF-style: chr9-131709333-C-A.
Other names: short protein forms A84S.
Identifiers: ClinVar variation 948687 (VCV000948687.8), dbSNP rs1841684950, ClinGen allele CA375127284.
Genomic context (GRCh38, chr9:128,947,054, plus strand): 5'-TCCCAGCAGTCTGGCACCGCTCCTTCATGACTAGTCCAAGCAAAGGCATGACCATGGAGG[C>A]GGGCAATAGGCCACTGTTTGCGGACATTCGGAACTGGAAGACGGCGCTTCCCTGCTGTAG-3'
Protein context (NP_055723.1, residues 74-94): RMSANSGLLP[Ala84Ser]SMVMPLLGLV

ClinVar aggregate classification (germline): Uncertain significance. Review status: criteria provided, multiple submitters, no conflicts (2 of 4 stars). 2 submissions from 2 submitters: Uncertain significance (2). Last evaluated 2023-12-07.

Conditions:
DK1-congenital disorder of glycosylation. Also called: DOLK-congenital disorder of glycosylation; Carbohydrate deficient glycoprotein syndrome type 1m; CONGENITAL DISORDER OF GLYCOSYLATION, TYPE Im; DK1-CDG; CDG Im; DK1 DEFICIENCY. Identifiers: Orphanet 91131, MedGen C1835849, MONDO:0012556, OMIM 610768.
Cardiovascular phenotype. Identifiers: MedGen CN230736.

Submissions (2):

Ambry Genetics
Classification: Uncertain significance for Cardiovascular phenotype. Last evaluated: 2023-12-07. Review status: criteria provided, single submitter. Criteria: Ambry Variant Classification Scheme 2023. Collection method: clinical testing. Allele origin: germline.
Comment: The p.A84S variant (also known as c.250G>T), located in coding exon 1 of the DOLK gene, results from a G to T substitution at nucleotide position 250. The alanine at codon 84 is replaced by serine, an amino acid with similar properties. This amino acid position is conserved. In addition, the in silico prediction for this alteration is inconclusive. Since supporting evidence is limited at this time, the clinical significance of this alteration remains unclear.

Labcorp Genetics (formerly Invitae), Labcorp
Classification: Uncertain significance for DK1-congenital disorder of glycosylation. Last evaluated: 2021-09-01. Review status: criteria provided, single submitter. Criteria: Invitae Variant Classification Sherloc (09022015). Collection method: clinical testing. Allele origin: germline.
Comment: This sequence change replaces alanine with serine at codon 84 of the DOLK protein (p.Ala84Ser). The alanine residue is moderately conserved and there is a moderate physicochemical difference between alanine and serine. This variant is not present in population databases (ExAC no frequency). This variant has not been reported in the literature in individuals affected with DOLK-related conditions. Algorithms developed to predict the effect of missense changes on protein structure and function are either unavailable or do not agree on the potential impact of this missense change (SIFT: "Tolerated"; PolyPhen-2: "Probably Damaging"; Align-GVGD: "Class C0"). In summary, the available evidence is currently insufficient to determine the role of this variant in disease. Therefore, it has been classified as a Variant of Uncertain Significance.